The following is an entry in ClinVar:

ClinVar aggregate classification (germline): Uncertain significance (1 of 4 stars; one submission).

Conditions:
XYLT2-related disorder. Also called: XYLT2-related condition.

Submission:

PreventionGenetics, part of Exact Sciences
Classification: Uncertain significance for XYLT2-related condition. Last evaluated: 2025-09-20. Review status: criteria provided, single submitter. Criteria: ACMG Guidelines, 2015. Collection method: clinical testing. Allele origin: germline.
Comment: The XYLT2 c.305G>A variant is predicted to result in the amino acid substitution p.Arg102Gln. To our knowledge, this variant has not been reported in the literature. This variant is reported in 0.012% of alleles in individuals of South Asian descent in gnomAD. At this time, the clinical significance of this variant is uncertain due to the absence of conclusive functional and genetic evidence.

NM_022167.4(XYLT2):c.305G>A (p.Arg102Gln)

Gene: XYLT2 (xylosyltransferase 2; plus strand). Cytogenetic location: 17q21.33.
Variant type: single nucleotide variant.
Coding change: c.305G>A on transcript NM_022167.4 (MANE Select); coding-DNA position 305, G replaced by A.
Protein change: p.Arg102Gln; replaces arginine 102 with glutamine.
Molecular consequence: missense variant.
Genome position (GRCh38, 1-based): chr17:50,353,799, G>A. VCF-style: chr17-50353799-G-A. GRCh37 (hg19) VCF-style: chr17-48431160-G-A.
Other names: short protein forms R102Q.
Identifiers: ClinVar variation 4984383 (VCV004984383.1).